The following is an entry in ClinVar:

NM_199420.4(POLQ):c.5424A>T (p.Leu1808Phe)

Gene: POLQ (DNA polymerase theta; minus strand). Cytogenetic location: 3q13.33.
Variant type: single nucleotide variant.
Coding change: c.5424A>T on transcript NM_199420.4 (MANE Select); coding-DNA position 5424, A replaced by T.
Protein change: p.Leu1808Phe; replaces leucine 1808 with phenylalanine.
Molecular consequence: missense variant.
Genome position (GRCh38, 1-based): chr3:121,487,507, T>A on the plus strand (A>T on the coding strand, the complement: POLQ is on the minus strand). VCF-style: chr3-121487507-T-A. GRCh37 (hg19) VCF-style: chr3-121206354-T-A.
Other names: short protein forms L1808F.
Identifiers: ClinVar variation 1747458 (VCV001747458.2), dbSNP rs777226242, ClinGen allele CA2562715.
Genomic context (GRCh38, chr3:121,487,507, plus strand): 5'-AATTATGGACAAACTTTCTGAACTGCTTGAGGCTGGAGTTAACTGTAATCCATCCTGTGA[T>A]AACTGAAGTGAAAAGCTTGTGTCACTAATAGGGCTGTTGTCTTTGAACCCATTTCTACTC-3'
Protein context (NP_955452.3, residues 1798-1818): PISDTSFSLQ[Leu1808Phe]SQDGLQLTPA

ClinVar aggregate classification (germline): Uncertain significance (1 of 4 stars; one submission).

Allele frequency attached by ClinVar (database versions not stated): ExAC 0.00001; gnomAD 0.00001; TOPMed 0.00002.
gnomAD v4.1: 4 of 1,614,030 alleles (0.00025%); highest among the groups gnomAD compares: Admixed American, 0.0067%; no homozygotes.

Submission:

Ambry Genetics
Classification: Uncertain significance. Last evaluated: 2022-09-16. Review status: criteria provided, single submitter. Criteria: Ambry Variant Classification Scheme 2023. Collection method: clinical testing. Allele origin: germline.
Comment: The p.L1808F variant (also known as c.5424A>T), located in coding exon 16 of the POLQ gene, results from an A to T substitution at nucleotide position 5424. The leucine at codon 1808 is replaced by phenylalanine, an amino acid with highly similar properties. This amino acid position is conserved. In addition, this alteration is predicted to be tolerated by in silico analysis. Since supporting evidence is limited at this time, the clinical significance of this alteration remains unclear.